The following is an entry in ClinVar:

ClinVar aggregate classification (germline): Uncertain significance (1 of 4 stars; one submission).

gnomAD v4.1: 1 of 1,614,112 alleles (0.000062%); highest among the groups gnomAD compares: South Asian, 0.0011%; no homozygotes.

Submission:

Labcorp Genetics (formerly Invitae), Labcorp
Classification: Uncertain significance. Last evaluated: 2025-09-08. Review status: criteria provided, single submitter. Criteria: Invitae Variant Classification Sherloc (09022015). Collection method: clinical testing. Allele origin: germline.
Comment: This sequence change replaces leucine, which is neutral and non-polar, with phenylalanine, which is neutral and non-polar, at codon 413 of the MTOR protein (p.Leu413Phe). This variant is not present in population databases (gnomAD no frequency). This variant has not been reported in the literature in individuals affected with MTOR-related conditions. ClinVar contains an entry for this variant (Variation ID: 3705505). Invitae Evidence Modeling of protein sequence and biophysical properties (such as structural, functional, and spatial information, amino acid conservation, physicochemical variation, residue mobility, and thermodynamic stability) indicates that this missense variant is not expected to disrupt MTOR protein function with a negative predictive value of 95%. In summary, the available evidence is currently insufficient to determine the role of this variant in disease. Therefore, it has been classified as a Variant of Uncertain Significance.

NM_004958.4(MTOR):c.1237C>T (p.Leu413Phe)

Gene: MTOR (mechanistic target of rapamycin kinase; minus strand). Cytogenetic location: 1p36.22.
Variant type: single nucleotide variant.
Coding change: c.1237C>T on transcript NM_004958.4 (MANE Select); coding-DNA position 1237, C replaced by T.
Protein change: p.Leu413Phe; replaces leucine 413 with phenylalanine.
Molecular consequence: missense variant. On other transcripts: 5 prime UTR variant (1).
Genome position (GRCh38, 1-based): chr1:11,243,289, G>A on the plus strand (C>T on the coding strand, the complement: MTOR is on the minus strand). VCF-style: chr1-11243289-G-A. GRCh37 (hg19) VCF-style: chr1-11303346-G-A.
Other names: c.1237C>T, p.Leu413Phe (NM_001386500.1); c.-12C>T (NM_001386501.1); short protein forms L413F.
Identifiers: ClinVar variation 3705505 (VCV003705505.2).